The following is an entry in ClinVar:

NM_144999.4(LRRC45):c.1412G>A (p.Arg471Gln)

Gene: LRRC45 (leucine rich repeat containing 45; plus strand). Cytogenetic location: 17q25.3.
Variant type: single nucleotide variant.
Coding change: c.1412G>A on transcript NM_144999.4 (MANE Select); coding-DNA position 1412, G replaced by A.
Protein change: p.Arg471Gln; replaces arginine 471 with glutamine.
Molecular consequence: missense variant.
Genome position (GRCh38, 1-based): chr17:82,029,553, G>A. VCF-style: chr17-82029553-G-A. GRCh37 (hg19) VCF-style: chr17-79987429-G-A.
Other names: short protein forms R471Q.
Identifiers: ClinVar variation 3350907 (VCV003350907.1).

ClinVar aggregate classification (germline): Uncertain significance (0 of 4 stars; one submission).

Conditions:
LRRC45-related disorder. Also called: LRRC45-related condition.

gnomAD v4.1: 31 of 1,572,574 alleles (0.002%); highest among the groups gnomAD compares: South Asian, 0.012%; no homozygotes.

Submission:

PreventionGenetics, part of Exact Sciences
Classification: Uncertain significance for LRRC45-related condition. Last evaluated: 2024-09-25. Review status: no assertion criteria provided. Collection method: clinical testing. Allele origin: germline.
Comment: The LRRC45 c.1412G>A variant is predicted to result in the amino acid substitution p.Arg471Gln. To our knowledge, this variant has not been reported in the literature. This variant is reported in 0.025% of alleles in individuals of South Asian descent in gnomAD. At this time, the clinical significance of this variant is uncertain due to the absence of conclusive functional and genetic evidence.